The following is an entry in ClinVar:

ClinVar aggregate classification (germline): Benign/Likely benign. Review status: criteria provided, multiple submitters, no conflicts (2 of 4 stars). 4 submissions from 4 submitters: Benign (3); Likely benign (1). Last evaluated 2026-03-01.

Allele frequency attached by ClinVar (database versions not stated): ExAC 0.00094; ESP Exome Variant Server 0.00331; gnomAD 0.00351 and 0.00378; TOPMed 0.00351; 1000 Genomes Project 0.00280; 1000 Genomes Project 30x 0.00328.
gnomAD v4.1: 1,045 of 1,612,458 alleles (0.065%); highest among the groups gnomAD compares: African/African-American, 1.2%; 11 homozygotes.

Submissions (4):

CeGaT Center for Human Genetics Tuebingen
Classification: Likely benign. Last evaluated: 2026-03-01. Review status: criteria provided, single submitter. Criteria: CeGaT Center For Human Genetics Tuebingen Variant Classification Criteria Version 2. Collection method: clinical testing. Allele origin: germline. Affected: yes. Observed: 2 variant alleles.
Comment: WDR81: BP4, BP7, BS1

Mayo Clinic Laboratories, Mayo Clinic
Classification: Benign. Last evaluated: 2025-06-04. Review status: criteria provided, single submitter. Criteria: ACMG Guidelines, 2015. Collection method: clinical testing. Allele origin: germline. Observed: 2 variant alleles.
Comment: BS1, BS2, BP4, BP7

Labcorp Genetics (formerly Invitae), Labcorp
Classification: Benign. Last evaluated: 2019-12-31. Review status: criteria provided, single submitter. Criteria: Invitae Variant Classification Sherloc (09022015). Collection method: clinical testing. Allele origin: germline.

Breakthrough Genomics
Classification: Benign. Review status: criteria provided, single submitter. Criteria: ACMG Guidelines, 2015. Collection method: not provided. Allele origin: germline. Inheritance: Autosomal recessive inheritance. Affected: yes.

NM_001163809.2(WDR81):c.4737C>T (p.Pro1579=)

Gene: WDR81 (WD repeat domain 81; plus strand). Cytogenetic location: 17p13.3.
Variant type: single nucleotide variant.
Coding change: c.4737C>T on transcript NM_001163809.2 (MANE Select); coding-DNA position 4737, C replaced by T.
Protein change: p.Pro1579=; no amino-acid change (proline 1579 retained).
Molecular consequence: synonymous variant.
Genome position (GRCh38, 1-based): chr17:1,733,774, C>T. VCF-style: chr17-1733774-C-T. GRCh37 (hg19) VCF-style: chr17-1637068-C-T.
Other names: p.Pro1579=; c.1128C>T, p.Pro376= (NM_001163673.2); c.1056C>T, p.Pro352= (NM_001163811.2); c.1584C>T, p.Pro528= (NM_152348.4).
Identifiers: ClinVar variation 732387 (VCV000732387.29), dbSNP rs111943038, ClinGen allele CA8273644.